The following is an entry in ClinVar:

NM_001382430.1(AKT1):c.293A>G (p.Glu98Gly)

Gene: AKT1 (AKT serine/threonine kinase 1; minus strand). Cytogenetic location: 14q32.33.
Variant type: single nucleotide variant.
Coding change: c.293A>G on transcript NM_001382430.1 (MANE Select); coding-DNA position 293, A replaced by G.
Protein change: p.Glu98Gly; replaces glutamic acid 98 with glycine.
Molecular consequence: missense variant.
Genome position (GRCh38, 1-based): chr14:104,775,794, T>C on the plus strand (A>G on the coding strand, the complement: AKT1 is on the minus strand). VCF-style: chr14-104775794-T-C. GRCh37 (hg19) VCF-style: chr14-105242131-T-C.
Other names: c.293A>G, p.Glu98Gly (NM_001014431.2, NM_001014432.2, NM_001382431.1 and 3 more transcripts); short protein forms E98G.
Identifiers: ClinVar variation 4869258 (VCV004869258.1).

ClinVar aggregate classification (germline): Uncertain significance (1 of 4 stars; one submission).

Conditions:
Inborn genetic diseases. Identifiers: MedGen C0950123, MeSH D030342.

Submission:

Ambry Genetics
Classification: Uncertain significance for Inborn genetic diseases. Last evaluated: 2026-05-24. Review status: criteria provided, single submitter. Criteria: Ambry Variant Classification Scheme 2023. Collection method: clinical testing. Allele origin: germline.
Comment: The p.E98G variant (also known as c.293A>G), located in coding exon 4 of the AKT1 gene, results from an A to G substitution at nucleotide position 293. The glutamic acid at codon 98 is replaced by glycine, an amino acid with similar properties. This amino acid position is conserved. In addition, the in silico prediction for this alteration is inconclusive. Based on the available evidence, the clinical significance of this variant remains unclear.